The following is an entry in ClinVar:

NM_001042492.3(NF1):c.1584del (p.Leu529fs)

Gene: NF1 (neurofibromin 1; plus strand). Cytogenetic location: 17q11.2.
Variant type: Deletion.
Coding change: c.1584del on transcript NM_001042492.3 (MANE Select); coding-DNA position 1584, one base deleted (G; older notation c.1584delG).
Protein change: p.Leu529fs; shifts the reading frame from leucine 529.
Molecular consequence: frameshift variant.
Genome position (GRCh38, 1-based): chr17:31,219,061, G deleted; the last of 3 consecutive G bases (chr17:31,219,059-31,219,061); deleting any one gives the same sequence. VCF-style (leftmost placement, unchanged base first): chr17-31219058-AG-A. GRCh37 (hg19) VCF-style: chr17-29546076-AG-A.
Other names: c.1584delG, p.Leu529Serfs (NM_000267.4); c.1584del, p.Leu529fs (NM_001128147.3); short protein forms L529fs.
Identifiers: ClinVar variation 230660 (VCV000230660.22), dbSNP rs876658693, ClinGen allele CA10580228.
Genomic context (GRCh38, chr17:31,219,058, plus strand): 5'-CTTGCAGAATCCAAGAAAACAGGGGCCCGAAACCCAAGGCAGTACAGCAGAATTAATTAC[AG>A]GGCTCGTCCAACTGGTCCCTCAGTCACACATGCCAGAGATTGCTCAGGAAGCAATGGAGG-3'

ClinVar aggregate classification (germline): Pathogenic. Review status: criteria provided, multiple submitters, no conflicts (2 of 4 stars). 2 submissions from 2 submitters: Pathogenic (2). Last evaluated 2024-05-01.

Conditions:
Hereditary cancer-predisposing syndrome. Also called: Neoplastic Syndromes, Hereditary; Hereditary Cancer Syndrome; Tumor predisposition; Hereditary neoplastic syndrome. Identifiers: Orphanet 140162, MedGen C0027672, MeSH D009386, MONDO:0015356.

Submissions (2):

CeGaT Center for Human Genetics Tuebingen
Classification: Pathogenic. Last evaluated: 2024-05-01. Review status: criteria provided, single submitter. Criteria: CeGaT Center For Human Genetics Tuebingen Variant Classification Criteria Version 2. Collection method: clinical testing. Allele origin: germline. Affected: yes. Observed: 1 variant allele.
Comment: NF1: PVS1, PM2

Ambry Genetics
Classification: Pathogenic for Hereditary cancer-predisposing syndrome. Last evaluated: 2015-03-06. Review status: criteria provided, single submitter. Criteria: Ambry Autosomal Dominant and X-Linked criteria (10/2015). Collection method: clinical testing. Allele origin: germline. Observed: 1 variant allele.
Comment: The c.1584delG pathogenic mutation, located in coding exon 14 of the NF1 gene, results from a deletion of one nucleotide at nucleotide position 1584, causing a translational frameshift with a predicted alternate stop codon. Since frameshifts are typically deleterious in nature, this alteration is interpreted as a disease-causing mutation (ACMG Recommendations for Standards for Interpretation and Reporting of Sequence Variations. Revision 2007. Genet Med. 2008;10:294).